The following is an entry in ClinVar:

NM_022089.4(ATP13A2):c.3276G>A (p.Leu1092=)

Gene: ATP13A2 (ATPase cation transporting 13A2; minus strand). Cytogenetic location: 1p36.13.
Variant type: single nucleotide variant.
Coding change: c.3276G>A on transcript NM_022089.4 (MANE Select); coding-DNA position 3276, G replaced by A.
Protein change: p.Leu1092=; no amino-acid change (leucine 1092 retained).
Molecular consequence: synonymous variant. On other transcripts: intron variant (1).
Genome position (GRCh38, 1-based): chr1:16,986,592, C>T on the plus strand (G>A on the coding strand, the complement: ATP13A2 is on the minus strand). VCF-style: chr1-16986592-C-T. GRCh37 (hg19) VCF-style: chr1-17313087-C-T.
Other names: c.3261G>A, p.Leu1087= (NM_001141973.3); c.3103+213G>A (NM_001141974.3).
Identifiers: ClinVar variation 2638389 (VCV002638389.24), dbSNP rs778370632, ClinGen allele CA416093690.

ClinVar aggregate classification (germline): Uncertain significance (1 of 4 stars; one submission).

Submission:

CeGaT Center for Human Genetics Tuebingen
Classification: Uncertain significance. Last evaluated: 2022-08-01. Review status: criteria provided, single submitter. Criteria: CeGaT Center For Human Genetics Tuebingen Variant Classification Criteria Version 2. Collection method: clinical testing. Allele origin: germline. Affected: yes. Observed: 1 variant allele.
Comment: ATP13A2: PM2:Supporting, BP4